The following is an entry in ClinVar:

NM_006231.4(POLE):c.6251_6252delinsGG (p.Ser2084Trp)

Gene: POLE (DNA polymerase epsilon, catalytic subunit; minus strand). Cytogenetic location: 12q24.33.
Variant type: Indel.
Coding change: c.6251_6252delinsGG on transcript NM_006231.4 (MANE Select); coding-DNA positions 6251 to 6252, CA replaced by GG.
Protein change: p.Ser2084Trp; replaces serine 2084 with tryptophan.
Molecular consequence: missense variant.
Genome position (GRCh38, 1-based): chr12:132,632,393-132,632,394, TG replaced by CC on the plus strand (CA replaced by GG on the coding strand, the reverse complement: POLE is on the minus strand). VCF-style: chr12-132632393-TG-CC. GRCh37 (hg19) VCF-style: chr12-133208979-TG-CC.
Other names: short protein forms S2084W.
Identifiers: ClinVar variation 2983258 (VCV002983258.3), dbSNP rs2541853923, ClinGen allele CA2740097629.

ClinVar aggregate classification (germline): Uncertain significance (1 of 4 stars; one submission).

Submission:

Labcorp Genetics (formerly Invitae), Labcorp
Classification: Uncertain significance. Last evaluated: 2023-04-11. Review status: criteria provided, single submitter. Criteria: Invitae Variant Classification Sherloc (09022015). Collection method: clinical testing. Allele origin: germline.
Comment: In summary, the available evidence is currently insufficient to determine the role of this variant in disease. Therefore, it has been classified as a Variant of Uncertain Significance. An algorithm developed to predict the effect of missense changes on protein structure and function (PolyPhen-2) suggests that this variant is likely to be disruptive. This variant has not been reported in the literature in individuals affected with POLE-related conditions. Information on the frequency of this variant in the gnomAD database is not available, as this variant may be reported differently in the database. This sequence change replaces serine, which is neutral and polar, with tryptophan, which is neutral and slightly polar, at codon 2084 of the POLE protein (p.Ser2084Trp).